The following is an entry in ClinVar:

ClinVar aggregate classification (germline): Uncertain significance (1 of 4 stars; one submission).

Submission:

GeneDx
Classification: Uncertain significance. Last evaluated: 2024-01-25. Review status: criteria provided, single submitter. Criteria: GeneDx Variant Classification Process June 2021. Collection method: clinical testing. Allele origin: germline. Affected: yes.
Comment: Not observed at significant frequency in large population cohorts (gnomAD); Frameshift variant predicted to result in protein truncation or nonsense mediated decay in a gene or region of a gene for which loss of function is not a well-established mechanism of disease; Has not been previously published as pathogenic or benign to our knowledge

NM_020774.4(MIB1):c.2008dup (p.Leu670fs)

Gene: MIB1 (MIB E3 ubiquitin protein ligase 1; plus strand). Cytogenetic location: 18q11.2.
Variant type: Duplication.
Coding change: c.2008dup on transcript NM_020774.4 (MANE Select); coding-DNA position 2008, one base duplicated (C; older notation c.2008dupC).
Protein change: p.Leu670fs; shifts the reading frame from leucine 670.
Molecular consequence: frameshift variant.
Genome position (GRCh38, 1-based): chr18:21,843,176, C duplicated; the last of 3 consecutive C bases (chr18:21,843,174-21,843,176); duplicating any one gives the same sequence. VCF-style (leftmost placement, unchanged base first): chr18-21843173-G-GC. GRCh37 (hg19) VCF-style: chr18-19423134-G-GC.
Other names: short protein forms L670fs.
Identifiers: ClinVar variation 3368209 (VCV003368209.1).
Genomic context (GRCh38, chr18:21,843,173, plus strand): 5'-TTTGTTCTTCTCGTTCAGGGTAATGCAAACCTGGATATCCAGAATGTGAACCAACAAACT[G>GC]CCCTACACCTTGCTGTTGAACGACAGCATACCCAGATTGTTAGGGTAAAGTATTGACATA-3'